The following is an entry in ClinVar:

NM_017866.6(TMEM70):c.152G>T (p.Gly51Val)

Gene: TMEM70 (transmembrane protein 70; plus strand). Cytogenetic location: 8q21.11.
Variant type: single nucleotide variant.
Coding change: c.152G>T on transcript NM_017866.6 (MANE Select); coding-DNA position 152, G replaced by T.
Protein change: p.Gly51Val; replaces glycine 51 with valine.
Molecular consequence: missense variant. On other transcripts: non-coding transcript variant (1).
Genome position (GRCh38, 1-based): chr8:73,976,433, G>T. VCF-style: chr8-73976433-G-T. GRCh37 (hg19) VCF-style: chr8-74888668-G-T.
Other names: c.152G>T, p.Gly51Val (NM_001040613.3); short protein forms G51V.
Identifiers: ClinVar variation 539330 (VCV000539330.6), dbSNP rs1251393091, ClinGen allele CA371489357.

ClinVar aggregate classification (germline): Uncertain significance (1 of 4 stars; one submission).

Conditions:
Mitochondrial complex V (ATP synthase) deficiency, nuclear type 2. Also called: Nuclear-Encoded ATPase Deficiency, TMEM70-Related; ENCEPHALOCARDIOMYOPATHY, MITOCHONDRIAL, NEONATAL, DUE TO ATP SYNTHASE DEFICIENCY; MITOCHONDRIAL COMPLEX V (ATP SYNTHASE) DEFICIENCY, TMEM70 TYPE. Identifiers: Orphanet 1194, MedGen C3279699, MONDO:0013546, OMIM 614052.

Allele frequency attached by ClinVar (database versions not stated): gnomAD 0.00001; gnomAD exomes 0.00001.
gnomAD v4.1: 2 of 1,572,136 alleles (0.00013%); highest among the groups gnomAD compares: Non-Finnish European, 0.00017%; no homozygotes.

Submission:

Labcorp Genetics (formerly Invitae), Labcorp
Classification: Uncertain significance for Mitochondrial complex V (ATP synthase) deficiency, nuclear type 2. Last evaluated: 2017-10-27. Review status: criteria provided, single submitter. Criteria: Invitae Variant Classification Sherloc (09022015). Collection method: clinical testing. Allele origin: germline.
Comment: In summary, the available evidence is currently insufficient to determine the role of this variant in disease. Therefore, it has been classified as a Variant of Uncertain Significance. Algorithms developed to predict the effect of missense changes on protein structure and function (SIFT, PolyPhen-2, Align-GVGD) all suggest that this variant is likely to be tolerated, but these predictions have not been confirmed by published functional studies and their clinical significance is uncertain. This variant has not been reported in the literature in individuals with TMEM70-related disease. This variant is not present in population databases (ExAC no frequency). This sequence change replaces glycine with valine at codon 51 of the TMEM70 protein (p.Gly51Val). The glycine residue is weakly conserved and there is a moderate physicochemical difference between glycine and valine.